The following is an entry in ClinVar:

NM_058216.3(RAD51C):c.837+2T>C

Gene: RAD51C (RAD51 paralog C; plus strand). Cytogenetic location: 17q22.
Variant type: single nucleotide variant.
Coding change: c.837+2T>C on transcript NM_058216.3 (MANE Select); the canonical splice donor site of the intron after coding-DNA position 837, T replaced by C.
Molecular consequence: splice donor variant.
Genome position (GRCh38, 1-based): chr17:58,709,992, T>C. VCF-style: chr17-58709992-T-C. GRCh37 (hg19) VCF-style: chr17-56787353-T-C.
Identifiers: ClinVar variation 584960 (VCV000584960.10), dbSNP rs1567799943, ClinGen allele CA400354587.

ClinVar aggregate classification (germline): Likely pathogenic. Review status: criteria provided, multiple submitters, no conflicts (2 of 4 stars). 3 submissions from 3 submitters: Likely pathogenic (3). Last evaluated 2025-09-08.

Conditions:
Hereditary cancer-predisposing syndrome. Also called: Neoplastic Syndromes, Hereditary; Hereditary Cancer Syndrome; Tumor predisposition; Hereditary neoplastic syndrome. Identifiers: Orphanet 140162, MedGen C0027672, MeSH D009386, MONDO:0015356.
Fanconi anemia complementation group O. Also called: RAD51C-Related Fanconi Anemia. Identifiers: Orphanet 84, MedGen C3150653, MONDO:0013248, OMIM 613390.

Submissions (3):

Ambry Genetics
Classification: Likely pathogenic for Hereditary cancer-predisposing syndrome. Last evaluated: 2025-09-08. Review status: criteria provided, single submitter. Criteria: Ambry Variant Classification Scheme 2023. Collection method: clinical testing. Allele origin: germline.
Comment: The c.837+2T>C intronic variant results from a T to C substitution two nucleotides after coding exon 5 in the RAD51C gene. Alterations that disrupt the canonical splice site are expected to result in aberrant splicing. In silico splice site analysis predicts that this alteration will weaken the native splice donor site. RNA studies have demonstrated that this alteration results in abnormal splicing (Sanoguera-Miralles L et al. Cancers (Basel), 2020 Dec;12, Ambry internal data). The resulting transcript is predicted to be in-frame and is not expected to trigger nonsense-mediated mRNAdecay. However, the region predicted to be impacted is critical for protein function (Ambry internal data). This nucleotide position is highly conserved in available vertebrate species. This variant is considered to be rare based on population cohorts in the Genome Aggregation Database (gnomAD). Based on the majority of available evidence to date, this variant is likely to be pathogenic.

Color Diagnostics, LLC DBA Color Health
Classification: Likely pathogenic for Hereditary cancer-predisposing syndrome. Last evaluated: 2020-02-27. Review status: criteria provided, single submitter. Criteria: ACMG Guidelines, 2015. Collection method: clinical testing. Allele origin: germline.
Comment: This variant causes a T to C nucleotide substitution at the +2 position of intron 5 of the RAD51C gene. Splice site prediction tools predict that this variant may have a significant impact on RNA splicing. Although this prediction has not been confirmed in published RNA studies, this variant is expected to result in an absent or disrupted protein product. To our knowledge, functional studies have not been reported for this variant. This variant has not been reported in individuals affected with hereditary cancer in the literature. This variant has not been identified in the general population by the Genome Aggregation Database (gnomAD). Loss of RAD51C function is a known mechanism of disease. Based on the available evidence, this variant is classified as Likely Pathogenic.

Mendelics
Classification: Likely pathogenic for Fanconi anemia complementation group O. Last evaluated: 2019-05-28. Review status: criteria provided, single submitter. Criteria: Mendelics Assertion Criteria 2017. Collection method: clinical testing. Allele origin: unknown.

Literature cited by the submitters: PubMed 15336628 (cited by Ambry Genetics).